The following is an entry in ClinVar:

NM_001370658.1(BTD):c.572G>A (p.Arg191His)

Gene: BTD (biotinidase; plus strand). Cytogenetic location: 3p25.1.
Variant type: single nucleotide variant.
Coding change: c.572G>A on transcript NM_001370658.1 (MANE Select); coding-DNA position 572, G replaced by A.
Protein change: p.Arg191His; replaces arginine 191 with histidine.
Molecular consequence: missense variant. On other transcripts: intron variant (1).
Genome position (GRCh38, 1-based): chr3:15,644,488, G>A. VCF-style: chr3-15644488-G-A. GRCh37 (hg19) VCF-style: chr3-15685995-G-A.
Other names: c.572G>A, p.Arg191His (NM_001407375.1, NM_001407376.1, NM_001407377.1 and 18 more transcripts); c.399+2431G>A (NM_001370753.1); c.632G>A, p.Arg211His (NM_000060.4); short protein forms R191H.
Identifiers: ClinVar variation 25029 (VCV000025029.59), dbSNP rs112195009, ClinGen allele CA220331.
Genomic context (GRCh38, chr3:15,644,488, plus strand): 5'-GATACCAGTTCAACACAAATGTCGTGTTCAGCAATAATGGAACCCTTGTTGACCGCTACC[G>A]TAAACACAACCTCTACTTTGAGGCAGCATTCGATGTTCCTCTTAAAGTGGATCTCATCAC-3'
Protein context (NP_001357587.1, residues 181-201): SNNGTLVDRY[Arg191His]KHNLYFEAAF

ClinVar aggregate classification (germline): Conflicting classifications of pathogenicity. Review status: criteria provided, conflicting classifications (1 of 4 stars). 11 submissions from 11 submitters: Pathogenic (1); Likely pathogenic (6); Uncertain significance (1). 3 of the submissions do not count toward it. Last evaluated 2026-01-29.

Conditions:
BTD-related disorder. Also called: BTD-related condition.
Biotinidase deficiency. Also called: Biotin deficiency; BTD deficiency; Late-onset biotin-responsive multiple carboxylase deficiency. Identifiers: Orphanet 79241, MedGen C0220754, MONDO:0009665, OMIM 253260.

Allele frequency attached by ClinVar (database versions not stated): gnomAD exomes 0.00004 and 0.00002; ExAC 0.00005; gnomAD 0.00001 and 0.00003; TOPMed 0.00003; 1000 Genomes Project 30x 0.00016; 1000 Genomes Project 0.00020.
gnomAD v4.1: 31 of 1,614,124 alleles (0.0019%); highest among the groups gnomAD compares: East Asian, 0.0067%; no homozygotes.

Submissions (11):

Dasa
Classification: Likely pathogenic. Last evaluated: 2026-01-29. Review status: criteria provided, single submitter. Criteria: DASA Assertion Criteria. Collection method: clinical testing. Allele origin: germline.
Comment: NM_001370658.1(BTD):c.572G>A (p.Arg191His) is a missense variant that results in the substitution of arginine with histidine. The affected residue or protein region has prior evidence supporting clinical relevance. This variant has been recurrently observed in individuals with BTD-related disorders (PMID: 26361991; PMID: 30912303; PMID: 26810761; PMID: 17185019). Also, this variant is rare in population databases. Based on the currently available evidence, this variant is classified as likely pathogenic.

Labcorp Genetics (formerly Invitae), Labcorp
Classification: Pathogenic for Biotinidase deficiency. Last evaluated: 2025-11-23. Review status: criteria provided, single submitter. Criteria: Invitae Variant Classification Sherloc (09022015). Collection method: clinical testing. Allele origin: germline.
Comment: This sequence change replaces arginine, which is basic and polar, with histidine, which is basic and polar, at codon 211 of the BTD protein (p.Arg211His). This variant is present in population databases (rs112195009, gnomAD 0.02%). This missense change has been observed in individual(s) with biotinidase deficiency (PMID: 26361991; internal data). ClinVar contains an entry for this variant (Variation ID: 25029). Invitae Evidence Modeling of protein sequence and biophysical properties (such as structural, functional, and spatial information, amino acid conservation, physicochemical variation, residue mobility, and thermodynamic stability) has been performed for this missense variant. However, the output from this modeling did not meet the statistical confidence thresholds required to predict the impact of this variant on BTD protein function. This variant disrupts the p.Arg211 amino acid residue in BTD. Other variant(s) that disrupt this residue have been determined to be pathogenic (PMID: 10400129, 17185019, 25754625, 26810761, 27329734). This suggests that this residue is clinically significant, and that variants that disrupt this residue are likely to be disease-causing. For these reasons, this variant has been classified as Pathogenic.

Natera, Inc.
Classification: Likely pathogenic for Biotinidase deficiency. Last evaluated: 2025-10-03. Review status: criteria provided, single submitter. Criteria: Natera Variant Classification Schema (03/2026). Collection method: clinical testing. Allele origin: germline.
Comment: The c.572G>A variant in BTD is a missense variant predicted to cause substitution of arginine to histidine at amino acid 191. This variant is rare in the general population with a frequency below the threshold expected for the associated phenotype(s). This variant has been observed in one or more individuals affected with the associated recessive disease, as either homozygous or compound heterozygous with a second variant (PMID: 38299772, 28971021). This variant has been found together with another disease-causing variant in the same copy of the gene (PMID: 38141137). A different variant at the same position has been determined to be Pathogenic or Likely Pathogenic. Computational prediction algorithms indicate this variant is likely to affect gene or protein function. Given the available evidence, this variant is classified as Likely Pathogenic.

Myriad Genetics, Inc.
Classification: Likely pathogenic for Biotinidase deficiency. Last evaluated: 2025-08-28. Review status: criteria provided, single submitter. Criteria: Myriad Autosomal Dominant, Autosomal Recessive and X-Linked Classification Criteria (2023). Collection method: clinical testing. Allele origin: unknown.
Comment: NM_000060.2(BTD):c.632G>A(R211H) is a missense variant classified as likely pathogenic in the context of biotinidase deficiency. R211H has been observed in cases with relevant disease (PMID: 28971021, 26361991, 22011816, 39451125). Relevant functional assessments of this variant are not available in the literature. R211H has been observed in referenced population frequency databases. In summary, NM_000060.2(BTD):c.632G>A(R211H) is a missense variant that has been observed more frequently in cases with the relevant disease than in healthy populations. Please note: this variant was assessed in the context of healthy population screening.

CeGaT Center for Human Genetics Tuebingen
Classification: Likely pathogenic. Last evaluated: 2024-10-01. Review status: criteria provided, single submitter. Criteria: CeGaT Center For Human Genetics Tuebingen Variant Classification Criteria Version 2. Collection method: clinical testing. Allele origin: germline. Affected: yes. Observed: 3 variant alleles.
Comment: BTD: PM3:Strong, PM1, PM2, PM5, BP4

Revvity Omics, Revvity
Classification: Likely pathogenic for Biotinidase deficiency. Last evaluated: 2024-05-16. Review status: criteria provided, single submitter. Criteria: ACMG Guidelines, 2015. Collection method: clinical testing. Allele origin: germline.

Baylor Genetics
Classification: Likely pathogenic for Biotinidase deficiency. Last evaluated: 2024-03-19. Review status: criteria provided, single submitter. Criteria: ACMG Guidelines, 2015. Collection method: clinical testing. Allele origin: unknown.

Blueprint Genetics
Classification: Uncertain significance. Last evaluated: 2020-10-14. Review status: criteria provided, single submitter. Criteria: ACMG Guidelines, 2015. Collection method: clinical testing. Allele origin: germline.

PreventionGenetics, part of Exact Sciences
Classification: Likely pathogenic for BTD-related condition. Last evaluated: 2024-07-10. Review status: no assertion criteria provided. Collection method: clinical testing. Allele origin: germline. Not counted in ClinVar's aggregate classification.
Comment: The BTD c.632G>A variant is predicted to result in the amino acid substitution p.Arg211His. This variant, also described as c.572G>A (p.Arg191His), has been reported in the heterozygous and compound heterozygous states in multiple individuals with biotinidase deficiency (Thodi et al. 2011. PubMed ID: 22011816; Gannavarapu et al. 2015. PubMed ID: 26361991; Porta et al. 2017. PubMed ID: 28971021). This variant is reported in 0.015% of alleles in individuals of East Asian descent in gnomAD. Alternate missense changes affecting the same amino acid (p.Arg211Cys, p.Arg211Ser, and p.Arg211Leu) have been reported in multiple individuals with biotinidase deficiency (Norrgard et al. 1999. PubMed ID: 10400129; Carvalho et al. 2019. PubMed ID: 30912303). This variant is interpreted as likely pathogenic.

Counsyl
Classification: Uncertain significance for Biotinidase deficiency. Last evaluated: 2017-08-21. Review status: flagged submission. Collection method: clinical testing. Allele origin: unknown. Not counted in ClinVar's aggregate classification.
ClinVar note: Reason: Older and outlier claim with insufficient supporting evidence

Eurofins Ntd Llc (ga)
Classification: Uncertain significance. Last evaluated: 2017-07-21. Review status: flagged submission. Criteria: EGL Classification Definitions 2015. Collection method: clinical testing. Allele origin: germline. Observed: 4 variant alleles, 4 heterozygotes. Not counted in ClinVar's aggregate classification.
ClinVar note: Reason: Older and outlier claim with insufficient supporting evidence

Literature cited by the submitters: PubMed 26361991 (cited by 4 submitters); PubMed 22011816 (cited by 4 submitters); PubMed 28971021 (cited by 3 submitters); PubMed 30912303 (cited by Dasa); PubMed 26810761 (cited by Dasa and Labcorp Genetics (formerly Invitae), Labcorp); PubMed 17185019 (cited by Dasa and Labcorp Genetics (formerly Invitae), Labcorp); PubMed 10400129 (cited by Labcorp Genetics (formerly Invitae), Labcorp); PubMed 25754625 (cited by Labcorp Genetics (formerly Invitae), Labcorp); PubMed 27329734 (cited by Labcorp Genetics (formerly Invitae), Labcorp); PubMed 38299772 (cited by Natera, Inc.); PubMed 38141137 (cited by Natera, Inc.); PubMed 39451125 (cited by Myriad Genetics, Inc.).